The following is an entry in ClinVar:

NM_014515.7(CNOT2):c.1369del (p.Gln457fs)

Gene: CNOT2 (CCR4-NOT transcription complex subunit 2; plus strand). Cytogenetic location: 12q15.
Variant type: Deletion.
Coding change: c.1369del on transcript NM_014515.7 (MANE Select); coding-DNA position 1369, one base deleted (C; older notation c.1369delC).
Protein change: p.Gln457fs; shifts the reading frame from glutamine 457.
Molecular consequence: frameshift variant. On other transcripts: non-coding transcript variant (1).
Genome position (GRCh38, 1-based): chr12:70,344,206, C deleted. VCF-style (leftmost placement, unchanged base first): chr12-70344205-AC-A. GRCh37 (hg19) VCF-style: chr12-70737985-AC-A.
Other names: c.1369del, p.Gln457fs (NM_001199302.2, NM_001199303.2, NM_001414651.1 and 1 more transcripts); c.1342del, p.Gln448fs (NM_001414653.1, NM_001414654.1, NM_001414655.1); c.1327del, p.Gln443fs (NM_001414656.1); c.1309del, p.Gln437fs (NM_001414657.1, NM_001414658.1, NM_001414659.1 and 1 more transcripts); c.1246del, p.Gln416fs (NM_001414661.1); c.1186del, p.Gln396fs (NM_001414662.1); short protein forms Q396fs, Q416fs, Q437fs, Q443fs, Q448fs, Q457fs.
Identifiers: ClinVar variation 3338647 (VCV003338647.1).

ClinVar aggregate classification (germline): Likely pathogenic (1 of 4 stars; one submission).

Conditions:
Intellectual developmental disorder with nasal speech, dysmorphic facies, and variable skeletal anomalies. Identifiers: MedGen C5231426, MONDO:0032832, OMIM 618608.

Submission:

Center for Human Genetics and Genomic Medicine, Uniklinik Rwth Aachen
Classification: Likely pathogenic for Intellectual developmental disorder with nasal speech, dysmorphic facies, and variable skeletal anomalies. Review status: criteria provided, single submitter. Criteria: ACMG Guidelines, 2015. Collection method: clinical testing. Allele origin: unknown. Inheritance: Autosomal dominant inheritance. Affected: yes.
Comment: The detected variant is not present in databases nor has it been reported in literature. Loss of Function variants in the same region have been reported as disease causing (PMID: 36224108), thus a functional relevance is likely. Based on the available information, the variant was classified as likely pathogenic (PVS1, PM2)